The following is an entry in ClinVar:

ClinVar aggregate classification (germline): Likely pathogenic (1 of 4 stars; one submission).

Conditions:
Hereditary cancer-predisposing syndrome. Also called: Neoplastic Syndromes, Hereditary; Tumor predisposition; Hereditary neoplastic syndrome; Hereditary Cancer Syndrome. Identifiers: Orphanet 140162, MedGen C0027672, MeSH D009386, MONDO:0015356.

Submission:

Ambry Genetics
Classification: Likely pathogenic for Hereditary cancer-predisposing syndrome. Last evaluated: 2026-09-10. Review status: criteria provided, single submitter. Criteria: Ambry Variant Classification Scheme 2023. Collection method: clinical testing. Allele origin: germline.
Comment: The c.1023-1G>A intronic variant results from a G to A substitution one nucleotide upstream from coding exon 9 of the SUFU gene. This nucleotide position is highly conserved in available vertebrate species. In silico splice site analysis predicts that this alteration will weaken the native splice acceptor site and may result in the creation or strengthening of a novel splice acceptor site. RNA studies have demonstrated that this variant results in abnormal splicing in the set of samples tested (Ambry internal data). This variant is considered to be rare based on population cohorts in the Genome Aggregation Database (gnomAD). Based on the majority of available evidence to date, this variant is likely to be pathogenic.

NM_016169.4(SUFU):c.1023-1G>A

Gene: SUFU (SUFU negative regulator of hedgehog signaling; plus strand). Cytogenetic location: 10q24.32.
Variant type: single nucleotide variant.
Coding change: c.1023-1G>A on transcript NM_016169.4 (MANE Select); the canonical splice acceptor site of the intron before coding-DNA position 1023, G replaced by A.
Molecular consequence: splice acceptor variant.
Genome position (GRCh38, 1-based): chr10:102,615,267, G>A. VCF-style: chr10-102615267-G-A. GRCh37 (hg19) VCF-style: chr10-104375024-G-A.
Other names: c.1023-1G>A (NM_001178133.2).
Identifiers: ClinVar variation 5030453 (VCV005030453.1).